The following is an entry in ClinVar:

NM_002907.4(RECQL):c.1118C>G (p.Ala373Gly)

Gene: RECQL (RecQ like helicase; minus strand). Cytogenetic location: 12p12.1.
Variant type: single nucleotide variant.
Coding change: c.1118C>G on transcript NM_002907.4 (MANE Select); coding-DNA position 1118, C replaced by G.
Protein change: p.Ala373Gly; replaces alanine 373 with glycine.
Molecular consequence: missense variant.
Genome position (GRCh38, 1-based): chr12:21,475,566, G>C on the plus strand (C>G on the coding strand, the complement: RECQL is on the minus strand). VCF-style: chr12-21475566-G-C. GRCh37 (hg19) VCF-style: chr12-21628500-G-C.
Other names: c.1118C>G, p.Ala373Gly (NM_032941.3); short protein forms A373G.
Identifiers: ClinVar variation 2682070 (VCV002682070.1), dbSNP rs2540345152, ClinGen allele CA384120256.

ClinVar aggregate classification (germline): Uncertain significance (1 of 4 stars; one submission).

Submission:

Quest Diagnostics Nichols Institute San Juan Capistrano
Classification: Uncertain significance. Last evaluated: 2022-10-07. Review status: criteria provided, single submitter. Criteria: Quest Diagnostics criteria. Collection method: clinical testing. Allele origin: unknown.
Comment: This variant has not been reported in the published literature. It also has not been reported in large, multi-ethnic general populations. Analysis of this variant using bioinformatics tools for the prediction of the effect of amino acid changes on protein structure and function yielded predictions that this variant is damaging. Based on the available information, we are unable to determine the clinical significance of this variant.